The following is an entry in ClinVar:

ClinVar aggregate classification (germline): Pathogenic/Likely pathogenic. Review status: criteria provided, multiple submitters, no conflicts (2 of 4 stars). 2 submissions from 2 submitters: Pathogenic (1); Likely pathogenic (1). Last evaluated 2023-03-28.

Conditions:
Hypercholesterolemia, autosomal dominant, type B (FHCL2). Also called: Hyperlipoproteinemia Type IIb; Familial Hypercholesterolemia Type B; APOLIPOPROTEIN B-100, FAMILIAL DEFECTIVE; APOLIPOPROTEIN B-100, FAMILIAL LIGAND-DEFECTIVE; Familial hypercholesterolemia 2; APOB-Related Familial Hypercholesterolemia, Autosomal Dominant. Identifiers: MedGen C1704417, MONDO:0007751, OMIM 144010.
Familial hypobetalipoproteinemia 1. Also called: Hypobetalipoproteinemia, normotriglyceridemic; Acanthocytosis with hypobetalipoproteinemia; APOB-Related Familial Hypobetalipoproteinemia. Identifiers: MedGen C4551990, MONDO:0014252, OMIM 615558.

Submissions (2):

Labcorp Genetics (formerly Invitae), Labcorp
Classification: Pathogenic for Familial hypobetalipoproteinemia 1; Hypercholesterolemia, autosomal dominant, type B. Last evaluated: 2023-03-28. Review status: criteria provided, single submitter. Criteria: Invitae Variant Classification Sherloc (09022015). Collection method: clinical testing. Allele origin: germline.
Comment: This variant is present in population databases (no rsID available, gnomAD 0.001%). This sequence change creates a premature translational stop signal (p.Phe2181Leufs*14) in the APOB gene. It is expected to result in an absent or disrupted protein product. Loss-of-function variants in APOB are known to be pathogenic (PMID: 20032471). For these reasons, this variant has been classified as Pathogenic. ClinVar contains an entry for this variant (Variation ID: 569699). This premature translational stop signal has been observed in individual(s) with clinical features of hypobetalipoproteinemia (PMID: 22095935).

GeneDx
Classification: Likely pathogenic. Last evaluated: 2022-06-21. Review status: criteria provided, single submitter. Criteria: GeneDx Variant Classification Process June 2021. Collection method: clinical testing. Allele origin: germline. Affected: yes.
Comment: Frameshift variant predicted to result in protein truncation or nonsense mediated decay in a gene for which loss of function is a known mechanism of disease; Not observed at significant frequency in large population cohorts (gnomAD); This variant is associated with the following publications: (PMID: 22095935)

Literature cited by the submitters: PubMed 20032471 (cited by Labcorp Genetics (formerly Invitae), Labcorp); PubMed 22095935 (cited by Labcorp Genetics (formerly Invitae), Labcorp).

NM_000384.3(APOB):c.6543del (p.Phe2181fs)

Gene: APOB (apolipoprotein B; minus strand). Cytogenetic location: 2p24.1.
Variant type: Deletion.
Coding change: c.6543del on transcript NM_000384.3 (MANE Select); coding-DNA position 6543, one base deleted (T; older notation c.6543delT).
Protein change: p.Phe2181fs; shifts the reading frame from phenylalanine 2181.
Molecular consequence: frameshift variant.
Genome position (GRCh38, 1-based): chr2:21,010,325, A deleted on the plus strand (T on the coding strand, the reverse complement: APOB is on the minus strand); the first of 3 consecutive A bases (chr2:21,010,325-21,010,327); deleting any one gives the same sequence. VCF-style (leftmost placement, unchanged base first): chr2-21010324-CA-C. GRCh37 (hg19) VCF-style: chr2-21233196-CA-C.
Other names: c.6543delT (NM_000384.2); short protein forms F2181fs.
Identifiers: ClinVar variation 569699 (VCV000569699.10), dbSNP rs1558564161, ClinGen allele CA531312753.